The following is an entry in ClinVar:

NM_001199107.2(TBC1D24):c.1489A>G (p.Met497Val)

Gene: TBC1D24 (TBC1 domain family member 24; plus strand). Cytogenetic location: 16p13.3.
Variant type: single nucleotide variant.
Coding change: c.1489A>G on transcript NM_001199107.2 (MANE Select); coding-DNA position 1489, A replaced by G.
Protein change: p.Met497Val; replaces methionine 497 with valine.
Molecular consequence: missense variant.
Genome position (GRCh38, 1-based): chr16:2,500,454, A>G. VCF-style: chr16-2500454-A-G. GRCh37 (hg19) VCF-style: chr16-2550455-A-G.
Other names: c.1471A>G, p.Met491Val (NM_020705.3); c.1489A>G (NM_001199107.1); short protein forms M491V, M497V.
Identifiers: ClinVar variation 1366934 (VCV001366934.9), dbSNP rs2065783244, ClinGen allele CA394381212.

ClinVar aggregate classification (germline): Uncertain significance. Review status: criteria provided, multiple submitters, no conflicts (2 of 4 stars). 2 submissions from 2 submitters: Uncertain significance (2). Last evaluated 2025-09-11.

Conditions:
Developmental and epileptic encephalopathy, 1 (DEE1). Also called: X-linked infantile spasms; West's syndrome; Tonic spasms with clustering, arrest of psychomotor development and hypsarrhythmia on EEG; X-Linked Infantile Spasm Syndrome; OHTAHARA SYNDROME, X-LINKED; INFANTILE SPASM SYNDROME, X-LINKED 1. Identifiers: MedGen C3463992, MONDO:0010632, OMIM 308350. Disease mechanism: loss of function.
Autosomal dominant nonsyndromic hearing loss 65. Also called: TBC1D24-Related Autosomal Dominant Nonsyndromic Hearing Loss (DFNA); Deafness, autosomal dominant 65. Identifiers: Orphanet 90635, MedGen C3892048, MONDO:0014470, OMIM 616044.
Inborn genetic diseases. Identifiers: MedGen C0950123, MeSH D030342.

Allele frequency attached by ClinVar (database versions not stated): TOPMed below 0.00001.

Submissions (2):

Ambry Genetics
Classification: Uncertain significance for Inborn genetic diseases. Last evaluated: 2025-09-11. Review status: criteria provided, single submitter. Criteria: Ambry Variant Classification Scheme 2023. Collection method: clinical testing. Allele origin: germline.

Labcorp Genetics (formerly Invitae), Labcorp
Classification: Uncertain significance for Developmental and epileptic encephalopathy, 1; Autosomal dominant nonsyndromic hearing loss 65. Last evaluated: 2022-07-05. Review status: criteria provided, single submitter. Criteria: Invitae Variant Classification Sherloc (09022015). Collection method: clinical testing. Allele origin: germline.
Comment: ClinVar contains an entry for this variant (Variation ID: 1366934). This variant has not been reported in the literature in individuals affected with TBC1D24-related conditions. This variant is not present in population databases (gnomAD no frequency). This sequence change replaces methionine, which is neutral and non-polar, with valine, which is neutral and non-polar, at codon 497 of the TBC1D24 protein (p.Met497Val). Algorithms developed to predict the effect of missense changes on protein structure and function (SIFT, PolyPhen-2, Align-GVGD) all suggest that this variant is likely to be tolerated. In summary, the available evidence is currently insufficient to determine the role of this variant in disease. Therefore, it has been classified as a Variant of Uncertain Significance.